The following is an entry in ClinVar:

ClinVar aggregate classification (germline): Uncertain significance (1 of 4 stars; one submission).

Conditions:
Duchenne muscular dystrophy (DMD). Also called: MUSCULAR DYSTROPHY, PSEUDOHYPERTROPHIC PROGRESSIVE, DUCHENNE TYPE; Duchenne Muscular Dystrophy (DMD). Identifiers: Orphanet 98896, MedGen C0013264, MONDO:0010679, OMIM 310200.

Allele frequency attached by ClinVar (database versions not stated): TOPMed below 0.00001; gnomAD exomes 0.00002.
gnomAD v4.1: 18 of 1,212,204 alleles (0.0015%); highest among the groups gnomAD compares: Non-Finnish European, 0.002%; no homozygotes.

Submission:

Labcorp Genetics (formerly Invitae), Labcorp
Classification: Uncertain significance for Duchenne muscular dystrophy. Last evaluated: 2025-05-21. Review status: criteria provided, single submitter. Criteria: Invitae Variant Classification Sherloc (09022015). Collection method: clinical testing. Allele origin: germline.
Comment: This sequence change replaces phenylalanine, which is neutral and non-polar, with cysteine, which is neutral and slightly polar, at codon 2838 of the DMD protein (p.Phe2838Cys). This variant is not present in population databases (gnomAD no frequency). This variant has not been reported in the literature in individuals affected with DMD-related conditions. ClinVar contains an entry for this variant (Variation ID: 2197245). Invitae Evidence Modeling of protein sequence and biophysical properties (such as structural, functional, and spatial information, amino acid conservation, physicochemical variation, residue mobility, and thermodynamic stability) indicates that this missense variant is not expected to disrupt DMD protein function with a negative predictive value of 95%. In summary, the available evidence is currently insufficient to determine the role of this variant in disease. Therefore, it has been classified as a Variant of Uncertain Significance.

NM_004006.3(DMD):c.8513T>G (p.Phe2838Cys)

Gene: DMD (dystrophin; minus strand). Cytogenetic location: Xp21.2.
Variant type: single nucleotide variant.
Coding change: c.8513T>G on transcript NM_004006.3 (MANE Select); coding-DNA position 8513, T replaced by G.
Protein change: p.Phe2838Cys; replaces phenylalanine 2838 with cysteine.
Molecular consequence: missense variant.
Genome position (GRCh38, 1-based): chrX:31,496,822, A>C on the plus strand (T>G on the coding strand, the complement: DMD is on the minus strand). VCF-style: chrX-31496822-A-C. GRCh37 (hg19) VCF-style: chrX-31514939-A-C.
Other names: c.8489T>G, p.Phe2830Cys (NM_000109.4); c.8501T>G, p.Phe2834Cys (NM_004009.3); c.8144T>G, p.Phe2715Cys (NM_004010.3); c.4490T>G, p.Phe1497Cys (NM_004011.4); c.4481T>G, p.Phe1494Cys (NM_004012.4); c.1133T>G, p.Phe378Cys (NM_004013.3, NM_004020.4, NM_004021.3 and 2 more transcripts); c.326T>G, p.Phe109Cys (NM_004014.3); short protein forms F109C, F2830C, F1497C, F2834C, F378C, F1494C, F2715C, F2838C.
Identifiers: ClinVar variation 2197245 (VCV002197245.2), dbSNP rs1603264545, ClinGen allele CA412655426.